The following is an entry in ClinVar:

NM_022051.3(EGLN1):c.620T>G (p.Ile207Ser)

Gene: EGLN1 (egl-9 family hypoxia inducible factor 1; minus strand). Cytogenetic location: 1q42.2.
Variant type: single nucleotide variant.
Coding change: c.620T>G on transcript NM_022051.3 (MANE Select); coding-DNA position 620, T replaced by G.
Protein change: p.Ile207Ser; replaces isoleucine 207 with serine.
Molecular consequence: missense variant.
Genome position (GRCh38, 1-based): chr1:231,421,269, A>C on the plus strand (T>G on the coding strand, the complement: EGLN1 is on the minus strand). VCF-style: chr1-231421269-A-C. GRCh37 (hg19) VCF-style: chr1-231557015-A-C.
Other names: c.620T>G, p.Ile207Ser (NM_001377260.1, NM_001377261.1); short protein forms I207S.
Identifiers: ClinVar variation 4247402 (VCV004247402.1).

ClinVar aggregate classification (germline): Uncertain significance (1 of 4 stars; one submission).

Submission:

Ambry Genetics
Classification: Uncertain significance. Last evaluated: 2025-08-19. Review status: criteria provided, single submitter. Criteria: Ambry Variant Classification Scheme 2023. Collection method: clinical testing. Allele origin: germline.
Comment: The p.I207S variant (also known as c.620T>G), located in coding exon 1 of the EGLN1 gene, results from a T to G substitution at nucleotide position 620. The isoleucine at codon 207 is replaced by serine, an amino acid with dissimilar properties. This amino acid position is conserved. In addition, the in silico prediction for this alteration is inconclusive. Based on the available evidence, the clinical significance of this variant remains unclear.